The following is an entry in ClinVar:

ClinVar aggregate classification (germline): Uncertain significance. Review status: criteria provided, multiple submitters, no conflicts (2 of 4 stars). 5 submissions from 5 submitters: Uncertain significance (5). Last evaluated 2025-05-11.

Conditions:
Inborn genetic diseases. Identifiers: MedGen C0950123, MeSH D030342.
Mitochondrial complex III deficiency nuclear type 2. Identifiers: MedGen C3554605, MONDO:0014063, OMIM 615157.

Allele frequency attached by ClinVar (database versions not stated): gnomAD exomes 0.00002 and 0.00006; TOPMed 0.00004; gnomAD 0.00005 and 0.00006.
gnomAD v4.1: 93 of 1,595,124 alleles (0.0058%); highest among the groups gnomAD compares: Non-Finnish European, 0.0075%; no homozygotes.

Submissions (5):

Ambry Genetics
Classification: Uncertain significance for Inborn genetic diseases. Last evaluated: 2025-05-11. Review status: criteria provided, single submitter. Criteria: Ambry Variant Classification Scheme 2023. Collection method: clinical testing. Allele origin: germline.

Labcorp Genetics (formerly Invitae), Labcorp
Classification: Uncertain significance. Last evaluated: 2025-01-06. Review status: criteria provided, single submitter. Criteria: Invitae Variant Classification Sherloc (09022015). Collection method: clinical testing. Allele origin: germline.
Comment: This sequence change replaces arginine, which is basic and polar, with glycine, which is neutral and non-polar, at codon 102 of the TTC19 protein (p.Arg102Gly). This variant is present in population databases (no rsID available, gnomAD 0.006%). This variant has not been reported in the literature in individuals affected with TTC19-related conditions. ClinVar contains an entry for this variant (Variation ID: 891678). Invitae Evidence Modeling of protein sequence and biophysical properties (such as structural, functional, and spatial information, amino acid conservation, physicochemical variation, residue mobility, and thermodynamic stability) indicates that this missense variant is not expected to disrupt TTC19 protein function with a negative predictive value of 80%. In summary, the available evidence is currently insufficient to determine the role of this variant in disease. Therefore, it has been classified as a Variant of Uncertain Significance.

Fulgent Genetics
Classification: Uncertain significance for Mitochondrial complex III deficiency nuclear type 2. Last evaluated: 2022-03-15. Review status: criteria provided, single submitter. Criteria: ACMG Guidelines, 2015. Collection method: clinical testing. Allele origin: unknown.

Mayo Clinic Laboratories, Mayo Clinic
Classification: Uncertain significance. Last evaluated: 2020-12-07. Review status: criteria provided, single submitter. Criteria: ACMG Guidelines, 2015. Collection method: clinical testing. Allele origin: germline. Observed: 1 variant allele.

Illumina Laboratory Services, Illumina
Classification: Uncertain significance for Mitochondrial complex III deficiency nuclear type 2. Last evaluated: 2018-01-13. Review status: criteria provided, single submitter. Criteria: ICSL Variant Classification Criteria 13 December 2019. Collection method: clinical testing. Allele origin: germline.

NM_017775.4(TTC19):c.304C>G (p.Arg102Gly)

Gene: TTC19 (tetratricopeptide repeat domain 19; plus strand). Cytogenetic location: 17p12.
Variant type: single nucleotide variant.
Coding change: c.304C>G on transcript NM_017775.4 (MANE Select); coding-DNA position 304, C replaced by G.
Protein change: p.Arg102Gly; replaces arginine 102 with glycine.
Molecular consequence: missense variant. On other transcripts: 5 prime UTR variant (1).
Genome position (GRCh38, 1-based): chr17:16,000,237, C>G. VCF-style: chr17-16000237-C-G. GRCh37 (hg19) VCF-style: chr17-15903551-C-G.
Other names: p.Arg102Gly; c.-155C>G (NM_001271420.2); c.667C>G (NM_017775.2); short protein forms R102G.
Identifiers: ClinVar variation 891678 (VCV000891678.12), dbSNP rs961191529, ClinGen allele CA288187907.